The following is an entry in ClinVar:

NM_003235.5(TG):c.2963G>C (p.Arg988Pro)

Gene: TG (thyroglobulin; plus strand). Cytogenetic location: 8q24.22.
Variant type: single nucleotide variant.
Coding change: c.2963G>C on transcript NM_003235.5 (MANE Select); coding-DNA position 2963, G replaced by C.
Protein change: p.Arg988Pro; replaces arginine 988 with proline.
Molecular consequence: missense variant.
Genome position (GRCh38, 1-based): chr8:132,893,891, G>C. VCF-style: chr8-132893891-G-C. GRCh37 (hg19) VCF-style: chr8-133906136-G-C.
Other names: short protein forms R988P.
Identifiers: ClinVar variation 361933 (VCV000361933.13), dbSNP rs16893332, ClinGen allele CA4883550.

ClinVar aggregate classification (germline): Benign/Likely benign. Review status: criteria provided, multiple submitters, no conflicts (2 of 4 stars). 6 submissions from 6 submitters: Benign (1); Likely benign (4). 1 of the submissions does not count toward it. Last evaluated 2026-05-11.

Conditions:
TG-related disorder. Also called: TG-related disorders; TG-related condition.
Iodotyrosyl coupling defect (TDH3). Also called: HYPOTHYROIDISM, CONGENITAL, DUE TO DYSHORMONOGENESIS, 3; THYROID HORMONOGENESIS, GENETIC DEFECT IN, 3. Identifiers: Orphanet 95716, MedGen C0342194, MONDO:0010135, OMIM 274700.

Allele frequency attached by ClinVar (database versions not stated): ESP Exome Variant Server 0.03199; TOPMed 0.03655; 1000 Genomes Project 30x 0.05434; 1000 Genomes Project 0.05531.
gnomAD v4.1: 17,872 of 1,614,008 alleles (1.1%); highest among the groups gnomAD compares: African/African-American, 9.2%; 617 homozygotes.

Submissions (6):

Women's Health and Genetics/Laboratory Corporation of America, LabCorp
Classification: Likely benign. Last evaluated: 2026-05-11. Review status: criteria provided, single submitter. Criteria: LabCorp Variant Classification Summary - May 2015. Collection method: clinical testing. Allele origin: germline.

Labcorp Genetics (formerly Invitae), Labcorp
Classification: Benign. Last evaluated: 2026-02-04. Review status: criteria provided, single submitter. Criteria: Invitae Variant Classification Sherloc (09022015). Collection method: clinical testing. Allele origin: germline.

Blueprint Genetics
Classification: Likely benign. Last evaluated: 2024-11-27. Review status: criteria provided, single submitter. Criteria: ACMG Guidelines, 2015. Collection method: clinical testing. Allele origin: germline.

Illumina Laboratory Services, Illumina
Classification: Likely benign for Iodotyrosyl coupling defect. Last evaluated: 2018-01-13. Review status: criteria provided, single submitter. Criteria: ICSL Variant Classification Criteria 13 December 2019. Collection method: clinical testing. Allele origin: germline.
Comment: This variant was observed in the ICSL laboratory as part of a predisposition screen in an ostensibly healthy population. It had not been previously curated by ICSL or reported in the Human Gene Mutation Database (HGMD: prior to June 1st, 2018), and was therefore a candidate for classification through an automated scoring system. Utilizing variant allele frequency, disease prevalence and penetrance estimates, and inheritance mode, an automated score was calculated to assess if this variant is too frequent to cause the disease. Based on the score and internal cut-off values, a variant classified as likely benign is not then subjected to further curation. The score for this variant resulted in a classification of likely benign for this disease.

Breakthrough Genomics
Classification: Likely benign. Review status: criteria provided, single submitter. Criteria: ACMG Guidelines, 2015. Collection method: not provided. Allele origin: germline. Inheritance: Autosomal recessive inheritance. Affected: yes.

PreventionGenetics, part of Exact Sciences
Classification: Benign for TG-related condition. Last evaluated: 2019-09-06. Review status: no assertion criteria provided. Collection method: clinical testing. Allele origin: germline. Not counted in ClinVar's aggregate classification.
Comment: This variant is classified as benign based on ACMG/AMP sequence variant interpretation guidelines (Richards et al. 2015 PMID: 25741868, with internal and published modifications).